The following is an entry in ClinVar:

ClinVar aggregate classification (germline): Pathogenic. Review status: criteria provided, single submitter (1 of 4 stars). 2 submissions from 2 submitters: Pathogenic (1). 1 of the submissions does not count toward it. Last evaluated 2022-02-21.

Conditions:
Laron-type isolated somatotropin defect. Also called: GROWTH HORMONE RECEPTOR DEFICIENCY; Laron Syndrome; Growth hormone binding protein deficiency or dysfunction; Growth hormone receptor deficiency or dysfunction; Laron dwarfism; Laron type pituitary dwarfism I. Identifiers: Orphanet 633, MedGen C0271568, MONDO:0009877, OMIM 262500.

Submissions (2):

GeneDx
Classification: Pathogenic. Last evaluated: 2022-02-21. Review status: criteria provided, single submitter. Criteria: GeneDx Variant Classification Process June 2021. Collection method: clinical testing. Allele origin: germline. Affected: yes.
Comment: Nonsense variant predicted to result in protein truncation or nonsense mediated decay in a gene for which loss-of-function is a known mechanism of disease; Not observed at significant frequency in large population cohorts (gnomAD); Also known as p.C83X (c.346C>A) using alternative nomenclature; This variant is associated with the following publications: (PMID: 25525159, 28498917, 19169479, 29748515, 17405847, 21525302, 15536163)

OMIM
Classification: Pathogenic for LARON SYNDROME. Last evaluated: 2005-01-01. Review status: no assertion criteria provided. Collection method: literature only. Allele origin: germline. Not counted in ClinVar's aggregate classification.

Literature cited by the submitters: PubMed 15536163 (cited by OMIM).

NM_000163.5(GHR):c.303C>A (p.Cys101Ter)

Gene: GHR (growth hormone receptor; plus strand). Cytogenetic location: 5p12.
Variant type: single nucleotide variant.
Coding change: c.303C>A on transcript NM_000163.5 (MANE Select); coding-DNA position 303, C replaced by A.
Protein change: p.Cys101Ter; replaces cysteine 101 with a stop codon.
Molecular consequence: nonsense.
Genome position (GRCh38, 1-based): chr5:42,694,953, C>A. VCF-style: chr5-42694953-C-A. GRCh37 (hg19) VCF-style: chr5-42695055-C-A.
Other names: C83*; c.324C>A, p.Cys108Ter (NM_001242399.2); c.303C>A, p.Cys101Ter (NM_001242400.2, NM_001242401.4, NM_001242402.2 and 5 more transcripts); c.237C>A, p.Cys79Ter (NM_001242460.2); short protein forms C101*, C108*, C79*.
Identifiers: ClinVar variation 8659 (VCV000008659.3), dbSNP rs121909371, ClinGen allele CA119815.